The following is an entry in ClinVar:

NM_000574.5(CD55):c.479-1G>A

Gene: CD55 (CD55 molecule (Cromer blood group); plus strand). Cytogenetic location: 1q32.2.
Variant type: single nucleotide variant.
Coding change: c.479-1G>A on transcript NM_000574.5 (MANE Select); the canonical splice acceptor site of the intron before coding-DNA position 479, G replaced by A.
Molecular consequence: splice acceptor variant.
Genome position (GRCh38, 1-based): chr1:207,325,621, G>A. VCF-style: chr1-207325621-G-A. GRCh37 (hg19) VCF-style: chr1-207498966-G-A.
Other names: c.479-1G>A (NM_001114752.3, NM_001300903.2, NM_001300904.2 and 1 more transcripts).
Identifiers: ClinVar variation 2097227 (VCV002097227.1), dbSNP rs879246194, ClinGen allele CA36635400.
Genomic context (GRCh38, chr1:207,325,621, plus strand): 5'-CCTTCTTTGTGTGTATGCCTGATAATTTAATTTTAAAAAATCAATTTGTATTCTATTCTA[G>A]AGAAATCATGCCCTAATCCGGGAGAAATACGAAATGGTCAGATTGATGTACCAGGTGGCA-3'

ClinVar aggregate classification (germline): Likely pathogenic (1 of 4 stars; one submission).

Allele frequency attached by ClinVar (database versions not stated): gnomAD 0.00001; TOPMed 0.00001.
gnomAD v4.1: 2 of 1,589,136 alleles (0.00013%); highest among the groups gnomAD compares: Non-Finnish European, 0.00017%; no homozygotes.

Submission:

Labcorp Genetics (formerly Invitae), Labcorp
Classification: Likely pathogenic. Last evaluated: 2022-04-26. Review status: criteria provided, single submitter. Criteria: Invitae Variant Classification Sherloc (09022015). Collection method: clinical testing. Allele origin: germline.
Comment: This sequence change affects an acceptor splice site in intron 3 of the CD55 gene. It is expected to disrupt RNA splicing. Variants that disrupt the donor or acceptor splice site typically lead to a loss of protein function (PMID: 16199547), and loss-of-function variants in CD55 are known to be pathogenic (PMID: 28657829, 28657861). This variant is not present in population databases (gnomAD no frequency). This variant has not been reported in the literature in individuals affected with CD55-related conditions. Algorithms developed to predict the effect of sequence changes on RNA splicing suggest that this variant may disrupt the consensus splice site. In summary, the currently available evidence indicates that the variant is pathogenic, but additional data are needed to prove that conclusively. Therefore, this variant has been classified as Likely Pathogenic.

Literature cited by the submitters: PubMed 16199547; PubMed 28657829; PubMed 28657861.